The following is an entry in ClinVar:

ClinVar aggregate classification (germline): Uncertain significance (1 of 4 stars; one submission).

Conditions:
Cardiovascular phenotype. Identifiers: MedGen CN230736.

gnomAD v4.1: 3 of 1,613,930 alleles (0.00019%); highest among the groups gnomAD compares: Non-Finnish European, 0.00025%; no homozygotes.

Submission:

Ambry Genetics
Classification: Uncertain significance for Cardiovascular phenotype. Last evaluated: 2026-08-29. Review status: criteria provided, single submitter. Criteria: Ambry Variant Classification Scheme 2023. Collection method: clinical testing. Allele origin: germline.
Comment: The p.F35L variant (also known as c.105T>G), located in coding exon 1 of the TECRL gene, results from a T to G substitution at nucleotide position 105. The phenylalanine at codon 35 is replaced by leucine, an amino acid with highly similar properties. This amino acid position is conserved. In addition, this alteration is predicted to be tolerated by in silico analysis. Based on the available evidence, the clinical significance of this variant remains unclear.

NM_001010874.5(TECRL):c.105T>G (p.Phe35Leu)

Gene: TECRL (trans-2,3-enoyl-CoA reductase like; minus strand). Cytogenetic location: 4q13.1.
Variant type: single nucleotide variant.
Coding change: c.105T>G on transcript NM_001010874.5 (MANE Select); coding-DNA position 105, T replaced by G.
Protein change: p.Phe35Leu; replaces phenylalanine 35 with leucine.
Molecular consequence: missense variant.
Genome position (GRCh38, 1-based): chr4:64,409,247, A>C on the plus strand (T>G on the coding strand, the complement: TECRL is on the minus strand). VCF-style: chr4-64409247-A-C. GRCh37 (hg19) VCF-style: chr4-65274965-A-C.
Other names: c.105T>G, p.Phe35Leu (NM_001363796.1); short protein forms F35L.
Identifiers: ClinVar variation 5030596 (VCV005030596.1).